The following is an entry in ClinVar:

ClinVar aggregate classification (germline): Uncertain significance (1 of 4 stars; one submission).

Conditions:
Fanconi anemia (FA). Also called: Fanconi's anemia. Identifiers: Orphanet 84, MedGen C0015625, MeSH D005199, MONDO:0019391.

Allele frequency attached by ClinVar (database versions not stated): gnomAD exomes below 0.00001.
gnomAD v4.1: 1 of 1,614,052 alleles (0.000062%); highest among the groups gnomAD compares: Middle Eastern, 0.016%; no homozygotes.

Submission:

Labcorp Genetics (formerly Invitae), Labcorp
Classification: Uncertain significance for Fanconi anemia. Last evaluated: 2023-11-28. Review status: criteria provided, single submitter. Criteria: Invitae Variant Classification Sherloc (09022015). Collection method: clinical testing. Allele origin: germline.
Comment: This sequence change replaces aspartic acid, which is acidic and polar, with glycine, which is neutral and non-polar, at codon 90 of the FANCF protein (p.Asp90Gly). This variant is not present in population databases (gnomAD no frequency). This variant has not been reported in the literature in individuals affected with FANCF-related conditions. ClinVar contains an entry for this variant (Variation ID: 1410132). Advanced modeling of protein sequence and biophysical properties (such as structural, functional, and spatial information, amino acid conservation, physicochemical variation, residue mobility, and thermodynamic stability) has been performed at Invitae for this missense variant, however the output from this modeling did not meet the statistical confidence thresholds required to predict the impact of this variant on FANCF protein function. In summary, the available evidence is currently insufficient to determine the role of this variant in disease. Therefore, it has been classified as a Variant of Uncertain Significance.

NM_022725.4(FANCF):c.269A>G (p.Asp90Gly)

Gene: FANCF (FA complementation group F; minus strand). Cytogenetic location: 11p14.3.
Variant type: single nucleotide variant.
Coding change: c.269A>G on transcript NM_022725.4 (MANE Select); coding-DNA position 269, A replaced by G.
Protein change: p.Asp90Gly; replaces aspartic acid 90 with glycine.
Molecular consequence: missense variant.
Genome position (GRCh38, 1-based): chr11:22,625,542, T>C on the plus strand (A>G on the coding strand, the complement: FANCF is on the minus strand). VCF-style: chr11-22625542-T-C. GRCh37 (hg19) VCF-style: chr11-22647088-T-C.
Other names: short protein forms D90G.
Identifiers: ClinVar variation 1410132 (VCV001410132.5), dbSNP rs746415789, ClinGen allele CA219086651.